The following is an entry in ClinVar:

ClinVar aggregate classification (germline): Uncertain significance (1 of 4 stars; one submission).

Conditions:
Inborn genetic diseases. Identifiers: MedGen C0950123, MeSH D030342.

Submission:

Ambry Genetics
Classification: Uncertain significance for Inborn genetic diseases. Last evaluated: 2025-09-12. Review status: criteria provided, single submitter. Criteria: Ambry Variant Classification Scheme 2023. Collection method: clinical testing. Allele origin: germline.
Comment: The p.P965L variant (also known as c.2894C>T), located in coding exon 30 of the FANCA gene, results from a C to T substitution at nucleotide position 2894. The proline at codon 965 is replaced by leucine, an amino acid with similar properties. This amino acid position is conserved. In addition, the in silico prediction for this alteration is inconclusive. Based on the available evidence, the clinical significance of this variant remains unclear.

NM_000135.4(FANCA):c.2894C>T (p.Pro965Leu)

Gene: FANCA (FA complementation group A; minus strand). Cytogenetic location: 16q24.3.
Variant type: single nucleotide variant.
Coding change: c.2894C>T on transcript NM_000135.4 (MANE Select); coding-DNA position 2894, C replaced by T.
Protein change: p.Pro965Leu; replaces proline 965 with leucine.
Molecular consequence: missense variant.
Genome position (GRCh38, 1-based): chr16:89,758,664, G>A on the plus strand (C>T on the coding strand, the complement: FANCA is on the minus strand). VCF-style: chr16-89758664-G-A. GRCh37 (hg19) VCF-style: chr16-89825072-G-A.
Other names: c.2894C>T, p.Pro965Leu (NM_001286167.3); short protein forms P965L.
Identifiers: ClinVar variation 4254354 (VCV004254354.1).